The following is an entry in ClinVar:

ClinVar aggregate classification (germline): Uncertain significance (1 of 4 stars; one submission).

Submission:

Labcorp Genetics (formerly Invitae), Labcorp
Classification: Uncertain significance. Last evaluated: 2024-02-17. Review status: criteria provided, single submitter. Criteria: Invitae Variant Classification Sherloc (09022015). Collection method: clinical testing. Allele origin: germline.
Comment: This sequence change replaces asparagine, which is neutral and polar, with lysine, which is basic and polar, at codon 44 of the TANGO2 protein (p.Asn44Lys). The frequency data for this variant in the population databases is considered unreliable, as metrics indicate poor data quality at this position in the gnomAD database. This variant has not been reported in the literature in individuals affected with TANGO2-related conditions. ClinVar contains an entry for this variant (Variation ID: 1517186). An algorithm developed to predict the effect of missense changes on protein structure and function (PolyPhen-2) suggests that this variant is likely to be tolerated. In summary, the available evidence is currently insufficient to determine the role of this variant in disease. Therefore, it has been classified as a Variant of Uncertain Significance.

NM_152906.7(TANGO2):c.132C>A (p.Asn44Lys)

Gene: TANGO2 (transport and golgi organization 2 homolog; plus strand). Cytogenetic location: 22q11.21.
Variant type: single nucleotide variant.
Coding change: c.132C>A on transcript NM_152906.7 (MANE Select); coding-DNA position 132, C replaced by A.
Protein change: p.Asn44Lys; replaces asparagine 44 with lysine.
Molecular consequence: missense variant. On other transcripts: 5 prime UTR variant (12), non-coding transcript variant (5).
Genome position (GRCh38, 1-based): chr22:20,043,430, C>A. VCF-style: chr22-20043430-C-A. GRCh37 (hg19) VCF-style: chr22-20030953-C-A.
Other names: c.132C>A, p.Asn44Lys (NM_001283106.3, NM_001283116.3, NM_001283148.3 and 10 more transcripts); c.255C>A, p.Asn85Lys (NM_001283129.3, NM_001283215.3, NM_001322141.2 and 5 more transcripts); c.-48C>A (NM_001283235.3, NM_001322146.2, NM_001322148.2 and 9 more transcripts); short protein forms N85K, N44K.
Identifiers: ClinVar variation 1517186 (VCV001517186.7), dbSNP rs746501914, ClinGen allele CA10106202.